The following is an entry in ClinVar:

NM_001128840.3(CACNA1D):c.4624G>A (p.Gly1542Arg)

Gene: CACNA1D (calcium voltage-gated channel subunit alpha1 D; plus strand). Cytogenetic location: 3p21.1.
Variant type: single nucleotide variant.
Coding change: c.4624G>A on transcript NM_001128840.3 (MANE Select); coding-DNA position 4624, G replaced by A.
Protein change: p.Gly1542Arg; replaces glycine 1542 with arginine.
Molecular consequence: missense variant.
Genome position (GRCh38, 1-based): chr3:53,780,062, G>A. VCF-style: chr3-53780062-G-A. GRCh37 (hg19) VCF-style: chr3-53814089-G-A.
Other names: c.4684G>A, p.Gly1562Arg (NM_000720.4); c.4579G>A, p.Gly1527Arg (NM_001128839.3); short protein forms G1527R, G1542R, G1562R.
Identifiers: ClinVar variation 1977342 (VCV001977342.5), dbSNP rs766813584, ClinGen allele CA2454938.

ClinVar aggregate classification (germline): Uncertain significance (1 of 4 stars; one submission).

Allele frequency attached by ClinVar (database versions not stated): gnomAD exomes below 0.00001; ExAC 0.00001.
gnomAD v4.1: 4 of 1,614,028 alleles (0.00025%); highest among the groups gnomAD compares: East Asian, 0.0022%; no homozygotes.

Submission:

Labcorp Genetics (formerly Invitae), Labcorp
Classification: Uncertain significance. Last evaluated: 2024-07-21. Review status: criteria provided, single submitter. Criteria: Invitae Variant Classification Sherloc (09022015). Collection method: clinical testing. Allele origin: germline.
Comment: This sequence change replaces glycine, which is neutral and non-polar, with arginine, which is basic and polar, at codon 1562 of the CACNA1D protein (p.Gly1562Arg). This variant is present in population databases (rs766813584, gnomAD 0.006%). This variant has not been reported in the literature in individuals affected with CACNA1D-related conditions. ClinVar contains an entry for this variant (Variation ID: 1977342). Advanced modeling of protein sequence and biophysical properties (such as structural, functional, and spatial information, amino acid conservation, physicochemical variation, residue mobility, and thermodynamic stability) performed at Invitae indicates that this missense variant is expected to disrupt CACNA1D protein function with a positive predictive value of 80%. In summary, the available evidence is currently insufficient to determine the role of this variant in disease. Therefore, it has been classified as a Variant of Uncertain Significance.